The following is an entry in ClinVar:

NM_152743.4(BRAT1):c.185T>C (p.Val62Ala)

Gene: BRAT1 (BRCA1 associated ATM activator 1; minus strand). Cytogenetic location: 7p22.3.
Variant type: single nucleotide variant.
Coding change: c.185T>C on transcript NM_152743.4 (MANE Select); coding-DNA position 185, T replaced by C.
Protein change: p.Val62Ala; replaces valine 62 with alanine.
Molecular consequence: missense variant. On other transcripts: 5 prime UTR variant (1), non-coding transcript variant (1).
Genome position (GRCh38, 1-based): chr7:2,547,421, A>G on the plus strand (T>C on the coding strand, the complement: BRAT1 is on the minus strand). VCF-style: chr7-2547421-A-G. GRCh37 (hg19) VCF-style: chr7-2587055-A-G.
Other names: c.185T>C, p.Val62Ala (NM_001350626.2); c.-193T>C (NM_001350627.2); short protein forms V62A.
Identifiers: ClinVar variation 1404468 (VCV001404468.6), dbSNP rs1365971692, ClinGen allele CA366633262.

ClinVar aggregate classification (germline): Uncertain significance (1 of 4 stars; one submission).

Conditions:
Neonatal-onset encephalopathy with rigidity and seizures. Also called: Lethal neonatal spasticity-epileptic encephalopathy syndrome. Identifiers: Orphanet 435845, MedGen C3281029, MONDO:0013784, OMIM 614498.

Submission:

Labcorp Genetics (formerly Invitae), Labcorp
Classification: Uncertain significance for Neonatal-onset encephalopathy with rigidity and seizures. Last evaluated: 2021-09-02. Review status: criteria provided, single submitter. Criteria: Invitae Variant Classification Sherloc (09022015). Collection method: clinical testing. Allele origin: germline.
Comment: This sequence change replaces valine with alanine at codon 62 of the BRAT1 protein (p.Val62Ala). The valine residue is highly conserved and there is a small physicochemical difference between valine and alanine. This variant is not present in population databases (ExAC no frequency). This variant has not been reported in the literature in individuals affected with BRAT1-related conditions. Algorithms developed to predict the effect of missense changes on protein structure and function output the following: SIFT: "Deleterious"; PolyPhen-2: "Benign"; Align-GVGD: "Class C55". The alanine amino acid residue is found in multiple mammalian species, which suggests that this missense change does not adversely affect protein function. In summary, the available evidence is currently insufficient to determine the role of this variant in disease. Therefore, it has been classified as a Variant of Uncertain Significance.